The following is an entry in ClinVar:

NM_022041.4(GAN):c.1012A>G (p.Lys338Glu)

Gene: GAN (gigaxonin; plus strand). Cytogenetic location: 16q23.2.
Variant type: single nucleotide variant.
Coding change: c.1012A>G on transcript NM_022041.4 (MANE Select); coding-DNA position 1012, A replaced by G.
Protein change: p.Lys338Glu; replaces lysine 338 with glutamic acid.
Molecular consequence: missense variant.
Genome position (GRCh38, 1-based): chr16:81,362,537, A>G. VCF-style: chr16-81362537-A-G. GRCh37 (hg19) VCF-style: chr16-81396142-A-G.
Other names: c.373A>G, p.Lys125Glu (NM_001377486.1); short protein forms K125E, K338E.
Identifiers: ClinVar variation 1991490 (VCV001991490.4), dbSNP rs1181977802, ClinGen allele CA396874869.

ClinVar aggregate classification (germline): Uncertain significance (1 of 4 stars; one submission).

Conditions:
Giant axonal neuropathy 1 (GAN1). Also called: GAN-Related Neurodegeneration; GIANT AXONAL NEUROPATHY 1, AUTOSOMAL RECESSIVE. Identifiers: Orphanet 643, MedGen C1850386, MONDO:0009749, OMIM 256850.

gnomAD v4.1: 8 of 1,610,046 alleles (0.0005%); highest among the groups gnomAD compares: Non-Finnish European, 0.00068%; no homozygotes.

Submission:

Labcorp Genetics (formerly Invitae), Labcorp
Classification: Uncertain significance for Giant axonal neuropathy 1. Last evaluated: 2021-12-25. Review status: criteria provided, single submitter. Criteria: Invitae Variant Classification Sherloc (09022015). Collection method: clinical testing. Allele origin: germline.
Comment: This sequence change replaces lysine, which is basic and polar, with glutamic acid, which is acidic and polar, at codon 338 of the GAN protein (p.Lys338Glu). This variant is present in population databases (no rsID available, gnomAD 0.002%). This variant has not been reported in the literature in individuals affected with GAN-related conditions. Algorithms developed to predict the effect of missense changes on protein structure and function (SIFT, PolyPhen-2, Align-GVGD) all suggest that this variant is likely to be tolerated. In summary, the available evidence is currently insufficient to determine the role of this variant in disease. Therefore, it has been classified as a Variant of Uncertain Significance.